The following is an entry in ClinVar:

ClinVar aggregate classification (germline): Uncertain significance. Review status: criteria provided, multiple submitters, no conflicts (2 of 4 stars). 2 submissions from 2 submitters: Uncertain significance (2). Last evaluated 2025-02-02.

Conditions:
Developmental and epileptic encephalopathy, 14 (DEE14). Also called: Early infantile epileptic encephalopathy 14. Identifiers: Orphanet 293181, MedGen C3554195, MONDO:0013989, OMIM 614959.
Autosomal dominant nocturnal frontal lobe epilepsy 5. Also called: Epilepsy, nocturnal frontal lobe, 5; CILIARY DYSKINESIA, PRIMARY, 28, WITHOUT SITUS INVERSUS; CILIARY DYSKINESIA, PRIMARY, 28, WITH SITUS INVERSUS; KCNT1-Related Epilepsy. Identifiers: Orphanet 98784, MedGen C3554306, MONDO:0014002, OMIM 615005.

Allele frequency attached by ClinVar (database versions not stated): gnomAD exomes below 0.00001; TOPMed below 0.00001.
gnomAD v4.1: 1 of 1,612,768 alleles (0.000062%); no homozygotes.

Submissions (2):

Labcorp Genetics (formerly Invitae), Labcorp
Classification: Uncertain significance for Autosomal dominant nocturnal frontal lobe epilepsy 5; Developmental and epileptic encephalopathy, 14. Last evaluated: 2025-02-02. Review status: criteria provided, single submitter. Criteria: Invitae Variant Classification Sherloc (09022015). Collection method: clinical testing. Allele origin: germline.
Comment: This sequence change falls in intron 8 of the KCNT1 gene. It does not directly change the encoded amino acid sequence of the KCNT1 protein. It affects a nucleotide within the consensus splice site. This variant is present in population databases (rs794727929, gnomAD no frequency). This variant has not been reported in the literature in individuals affected with KCNT1-related conditions. ClinVar contains an entry for this variant (Variation ID: 198897). Variants that disrupt the consensus splice site are a relatively common cause of aberrant splicing (PMID: 17576681, 9536098). Algorithms developed to predict the effect of sequence changes on RNA splicing suggest that this variant is not likely to affect RNA splicing. In summary, the available evidence is currently insufficient to determine the role of this variant in disease. Therefore, it has been classified as a Variant of Uncertain Significance.

Eurofins Ntd Llc (ga)
Classification: Uncertain significance. Last evaluated: 2015-05-28. Review status: criteria provided, single submitter. Criteria: EGL Classification Definitions 2015. Collection method: clinical testing. Allele origin: germline. Observed: 1 variant allele, 1 heterozygote.

Literature cited by the submitters: PubMed 17576681 (cited by Labcorp Genetics (formerly Invitae), Labcorp); PubMed 9536098 (cited by Labcorp Genetics (formerly Invitae), Labcorp).

NM_020822.3(KCNT1):c.675+4G>C

Gene: KCNT1 (potassium sodium-activated channel subfamily T member 1; plus strand). Cytogenetic location: 9q34.3.
Variant type: single nucleotide variant.
Coding change: c.675+4G>C on transcript NM_020822.3 (MANE Select); 4 bases into the intron after coding-DNA position 675, G replaced by C.
Molecular consequence: intron variant.
Genome position (GRCh38, 1-based): chr9:135,757,234, G>C. VCF-style: chr9-135757234-G-C. GRCh37 (hg19) VCF-style: chr9-138649080-G-C.
Other names: c.531+4G>C (NM_001272003.2).
Identifiers: ClinVar variation 198897 (VCV000198897.7), dbSNP rs794727929, ClinGen allele CA247792.